The following is an entry in ClinVar:

ClinVar aggregate classification (germline): Pathogenic (1 of 4 stars; one submission).

Conditions:
Polycystic kidney disease 2 (PKD2). Also called: POLYCYSTIC KIDNEY DISEASE, ADULT, TYPE II; Polycystic Kidney Disease 2, Autosomal Dominant; POLYCYSTIC KIDNEY DISEASE 2 WITH OR WITHOUT POLYCYSTIC LIVER DISEASE. Identifiers: MedGen C2751306, MONDO:0013131, OMIM 613095.

Submission:

Women's Health and Genetics/Laboratory Corporation of America, LabCorp
Classification: Pathogenic for Polycystic kidney disease 2. Last evaluated: 2025-11-18. Review status: criteria provided, single submitter. Criteria: LabCorp Variant Classification Summary - May 2015. Collection method: clinical testing. Allele origin: germline.
Comment: Variant summary: PKD2 c.1827delA (p.Ala610ArgfsX64) results in a premature termination codon, predicted to cause a truncation of the encoded protein or absence of the protein due to nonsense mediated decay, which are commonly known mechanisms for disease. The variant was absent in 251128 control chromosomes. To our knowledge, no occurrence of c.1827delA in individuals affected with PKD2-related conditions and no experimental evidence demonstrating its impact on protein function have been reported. No submitters have cited clinical-significance assessments for this variant to ClinVar. Based on the evidence outlined above, the variant was classified as pathogenic.

NM_000297.4(PKD2):c.1827del (p.Ala610fs)

Gene: PKD2 (polycystin 2, transient receptor potential cation channel; plus strand). Cytogenetic location: 4q22.1.
Variant type: Deletion.
Coding change: c.1827del on transcript NM_000297.4 (MANE Select); coding-DNA position 1827, one base deleted (A; older notation c.1827delA).
Protein change: p.Ala610fs; shifts the reading frame from alanine 610.
Molecular consequence: frameshift variant. On other transcripts: non-coding transcript variant (1).
Genome position (GRCh38, 1-based): chr4:88,056,196, A deleted. VCF-style (leftmost placement, unchanged base first): chr4-88056195-TA-T. GRCh37 (hg19) VCF-style: chr4-88977347-TA-T.
Other names: c.1827delA (NM_000297.4); c.1602del, p.Ala535fs (NM_001440544.1); short protein forms A535fs, A610fs.
Identifiers: ClinVar variation 4537339 (VCV004537339.1).
Genomic context (GRCh38, chr4:88,056,195, plus strand): 5'-CCATGTCTCGATGTGCCAAAGACCTGTTTGGCTTTGCTATTATGTTCTTCATTATTTTCC[TA>T]GCGTATGCTCAGTTGGCATACCTTGTCTTTGGCACTCAGGTCGATGACTTCAGTACTTTC-3'